The following is an entry in ClinVar:

ClinVar aggregate classification (germline): Uncertain significance (1 of 4 stars; one submission).

Conditions:
Ataxia-telangiectasia syndrome (AT). Also called: Ataxia-telangiectasia, complementation group D; AT, COMPLEMENTATION GROUP C; ATAXIA-TELANGIECTASIA, FRESNO VARIANT; ATAXIA-TELANGIECTASIA, COMPLEMENTATION GROUP A; Ataxia-telangiectasia, complementation group E; Ataxia telangiectasia (A-T). Identifiers: Orphanet 100, MedGen C0004135, MONDO:0008840, OMIM 208900.

Submission:

Labcorp Genetics (formerly Invitae), Labcorp
Classification: Uncertain significance for Ataxia-telangiectasia syndrome. Last evaluated: 2020-10-04. Review status: criteria provided, single submitter. Criteria: Invitae Variant Classification Sherloc (09022015). Collection method: clinical testing. Allele origin: germline.
Comment: This sequence change replaces isoleucine with arginine at codon 511 of the ATM protein (p.Ile511Arg). The isoleucine residue is moderately conserved and there is a moderate physicochemical difference between isoleucine and arginine. This variant is not present in population databases (ExAC no frequency). This variant has not been reported in the literature in individuals with ATM-related conditions. Advanced modeling of protein sequence and biophysical properties (such as structural, functional, and spatial information, amino acid conservation, physicochemical variation, residue mobility, and thermodynamic stability) performed at Invitae indicates that this missense variant is not expected to disrupt ATM protein function. In summary, the available evidence is currently insufficient to determine the role of this variant in disease. Therefore, it has been classified as a Variant of Uncertain Significance.

NM_000051.4(ATM):c.1532T>G (p.Ile511Arg)

Gene: ATM (ATM serine/threonine kinase; plus strand). Cytogenetic location: 11q22.3.
Variant type: single nucleotide variant.
Coding change: c.1532T>G on transcript NM_000051.4 (MANE Select); coding-DNA position 1532, T replaced by G.
Protein change: p.Ile511Arg; replaces isoleucine 511 with arginine.
Molecular consequence: missense variant.
Genome position (GRCh38, 1-based): chr11:108,250,997, T>G. VCF-style: chr11-108250997-T-G. GRCh37 (hg19) VCF-style: chr11-108121724-T-G.
Other names: c.1532T>G, p.Ile511Arg (NM_001351834.2); short protein forms I511R.
Identifiers: ClinVar variation 999454 (VCV000999454.8), dbSNP rs2080115491, ClinGen allele CA382534301.